The following is an entry in ClinVar:

NM_001099271.2(POC5):c.696_699del (p.Ser233fs)

Gene: POC5 (POC5 centriolar protein; minus strand). Cytogenetic location: 5q13.3.
Variant type: Deletion.
Coding change: c.696_699del on transcript NM_001099271.2 (MANE Select); coding-DNA positions 696 to 699, 4 bases deleted (TTCT; older notation c.696_699delTTCT).
Protein change: p.Ser233fs; shifts the reading frame from serine 233.
Molecular consequence: frameshift variant.
Genome position (GRCh38, 1-based): chr5:75,692,492-75,692,495, AGAA deleted on the plus strand (TTCT on the coding strand, the reverse complement: POC5 is on the minus strand); deleting any 4 consecutive bases within chr5:75,692,492-75,692,496 gives the same sequence; the c. name uses the placement nearest the transcript's 3' end. VCF-style (leftmost placement, unchanged base first): chr5-75692491-TAGAA-T. GRCh37 (hg19) VCF-style: chr5-74988316-TAGAA-T.
Other names: c.621_624del, p.Ser208fs (NM_152408.3); short protein forms S208fs, S233fs.
Identifiers: ClinVar variation 2132438 (VCV002132438.4), dbSNP rs2478841031, ClinGen allele CA2580074155.
Genomic context (GRCh38, chr5:75,692,491, plus strand): 5'-GGAAGAATGTTCTCATCAACTCTATCTTTTCCTTTTGCTTGCCTATGGCATGAGACAAGC[TAGAA>T]ATCACCTGTAAACAGCAATTAACCCAATTATTGTGATATTAAAATAACAGCAATTGGTAA-3'

ClinVar aggregate classification (germline): Uncertain significance (1 of 4 stars; one submission).

Submission:

Labcorp Genetics (formerly Invitae), Labcorp
Classification: Uncertain significance. Last evaluated: 2021-11-23. Review status: criteria provided, single submitter. Criteria: Invitae Variant Classification Sherloc (09022015). Collection method: clinical testing. Allele origin: germline.
Comment: In summary, the available evidence is currently insufficient to determine the role of this variant in disease. Therefore, it has been classified as a Variant of Uncertain Significance. This variant has not been reported in the literature in individuals affected with POC5-related conditions. This variant is not present in population databases (gnomAD no frequency). This sequence change creates a premature translational stop signal (p.Ser233Alafs*6) in the POC5 gene. It is expected to result in an absent or disrupted protein product. However, the current clinical and genetic evidence is not sufficient to establish whether loss-of-function variants in POC5 cause disease.